The following is an entry in ClinVar:

ClinVar aggregate classification (germline): Likely pathogenic (1 of 4 stars; one submission).

Allele frequency attached by ClinVar (database versions not stated): gnomAD exomes below 0.00001.
gnomAD v4.1: 2 of 1,486,554 alleles (0.00013%); highest among the groups gnomAD compares: Non-Finnish European, 0.00009%; no homozygotes.

Submission:

Labcorp Genetics (formerly Invitae), Labcorp
Classification: Likely pathogenic. Last evaluated: 2022-02-03. Review status: criteria provided, single submitter. Criteria: Invitae Variant Classification Sherloc (09022015). Collection method: clinical testing. Allele origin: germline.
Comment: Algorithms developed to predict the effect of sequence changes on RNA splicing suggest that this variant may disrupt the consensus splice site. In summary, the currently available evidence indicates that the variant is pathogenic, but additional data are needed to prove that conclusively. Therefore, this variant has been classified as Likely Pathogenic. This variant has not been reported in the literature in individuals affected with CPLANE1-related conditions. This variant is not present in population databases (gnomAD no frequency). This sequence change affects an acceptor splice site in intron 15 of the CPLANE1 gene. It is expected to disrupt RNA splicing. Variants that disrupt the donor or acceptor splice site typically lead to a loss of protein function (PMID: 16199547), and loss-of-function variants in CPLANE1 are known to be pathogenic (PMID: 24178751, 26092869).

Literature cited by the submitters: PubMed 16199547; PubMed 24178751; PubMed 26092869.

NM_001384732.1(CPLANE1):c.2747-2A>G

Gene: CPLANE1 (ciliogenesis and planar polarity effector complex subunit 1; minus strand). Cytogenetic location: 5p13.2.
Variant type: single nucleotide variant.
Coding change: c.2747-2A>G on transcript NM_001384732.1 (MANE Select); the canonical splice acceptor site of the intron before coding-DNA position 2747, A replaced by G.
Molecular consequence: splice acceptor variant.
Genome position (GRCh38, 1-based): chr5:37,213,734, T>C on the plus strand (A>G on the coding strand, the complement: CPLANE1 is on the minus strand). VCF-style: chr5-37213734-T-C. GRCh37 (hg19) VCF-style: chr5-37213836-T-C.
Other names: c.2747-2A>G (NM_023073.4).
Identifiers: ClinVar variation 2092579 (VCV002092579.4), dbSNP rs2548380984, ClinGen allele CA359484769.